The following is an entry in ClinVar:

ClinVar aggregate classification (germline): Benign (1 of 4 stars; one submission).

Submission:

Mayo Clinic Laboratories, Mayo Clinic
Classification: Benign. Last evaluated: 2024-10-22. Review status: criteria provided, single submitter. Criteria: ACMG Guidelines, 2015. Collection method: clinical testing. Allele origin: germline. Observed: 1 variant allele.
Comment: BS1, BS2

NM_001201550.3(CFHR4):c.769G>A (p.Gly257Arg)

Gene: CFHR4 (complement factor H related 4; plus strand). Cytogenetic location: 1q31.3.
Variant type: single nucleotide variant.
Coding change: c.769G>A on transcript NM_001201550.3 (MANE Select); coding-DNA position 769, G replaced by A.
Protein change: p.Gly257Arg; replaces glycine 257 with arginine.
Molecular consequence: missense variant. On other transcripts: intron variant (1).
Genome position (GRCh38, 1-based): chr1:196,907,468, G>A. VCF-style: chr1-196907468-G-A. GRCh37 (hg19) VCF-style: chr1-196876598-G-A.
Other names: p.Gly256Arg; c.766G>A, p.Gly256Arg (NM_001201551.2); c.256+4853G>A (NM_006684.5); short protein forms G256R, G257R.
Identifiers: ClinVar variation 4683982 (VCV004683982.1).